The following is an entry in ClinVar:

NM_001655.5(ARCN1):c.989A>T (p.His330Leu)

Gene: ARCN1 (archain 1; plus strand). Cytogenetic location: 11q23.3.
Variant type: single nucleotide variant.
Coding change: c.989A>T on transcript NM_001655.5 (MANE Select); coding-DNA position 989, A replaced by T.
Protein change: p.His330Leu; replaces histidine 330 with leucine.
Molecular consequence: missense variant.
Genome position (GRCh38, 1-based): chr11:118,592,713, A>T. VCF-style: chr11-118592713-A-T. GRCh37 (hg19) VCF-style: chr11-118463428-A-T.
Other names: c.725A>T, p.His242Leu (NM_001142281.2); short protein forms H242L, H330L.
Identifiers: ClinVar variation 2497769 (VCV002497769.1), dbSNP rs2497713515, ClinGen allele CA382812233.

ClinVar aggregate classification (germline): Uncertain significance (1 of 4 stars; one submission).

Submission:

GeneDx
Classification: Uncertain significance. Last evaluated: 2022-10-10. Review status: criteria provided, single submitter. Criteria: GeneDx Variant Classification Process June 2021. Collection method: clinical testing. Allele origin: germline. Affected: yes.
Comment: Not observed at significant frequency in large population cohorts (gnomAD); In silico analysis supports that this missense variant has a deleterious effect on protein structure/function; Has not been previously published as pathogenic or benign to our knowledge